The following is an entry in ClinVar:

ClinVar aggregate classification (germline): Uncertain significance (1 of 4 stars; one submission).

Conditions:
Hypermethioninemia with deficiency of S-adenosylhomocysteine hydrolase. Identifiers: Orphanet 88618, MedGen C3151058, MONDO:0013404, OMIM 613752.

Submission:

Labcorp Genetics (formerly Invitae), Labcorp
Classification: Uncertain significance for Hypermethioninemia with deficiency of S-adenosylhomocysteine hydrolase. Last evaluated: 2022-07-21. Review status: criteria provided, single submitter. Criteria: Invitae Variant Classification Sherloc (09022015). Collection method: clinical testing. Allele origin: germline.
Comment: In summary, the available evidence is currently insufficient to determine the role of this variant in disease. Therefore, it has been classified as a Variant of Uncertain Significance. This variant has not been reported in the literature in individuals affected with AHCY-related conditions. This variant results in a copy number gain of the genomic region encompassing exon(s) 1 of the AHCY gene. This region includes the initiator codon of the gene. This copy number gain extends beyond the assayed region for this gene and therefore may encompass additional genes. As the precise location of this event is unknown, it may be in tandem or it may be located elsewhere in the genome.

NC_000020.10:g.(?_32891029)_(32891076_?)dup

Gene: AHCY (adenosylhomocysteinase; minus strand). Cytogenetic location: 20q11.22.
Variant type: Duplication.
Identifiers: ClinVar variation 2423346 (VCV002423346.2).